The following is an entry in ClinVar:

ClinVar aggregate classification (germline): Uncertain significance (1 of 4 stars; one submission).

Conditions:
Inborn genetic diseases. Identifiers: MedGen C0950123, MeSH D030342.

Submission:

Ambry Genetics
Classification: Uncertain significance for Inborn genetic diseases. Last evaluated: 2021-12-11. Review status: criteria provided, single submitter. Criteria: Ambry Variant Classification Scheme 2023. Collection method: clinical testing. Allele origin: germline.
Comment: The p.F93L variant (also known as c.279C>A), located in coding exon 5 of the ERCC2 gene, results from a C to A substitution at nucleotide position 279. The phenylalanine at codon 93 is replaced by leucine, an amino acid with highly similar properties. This amino acid position is conserved. In addition, the in silico prediction for this alteration is inconclusive. Since supporting evidence is limited at this time, the clinical significance of this alteration remains unclear.

NM_000400.4(ERCC2):c.279C>A (p.Phe93Leu)

Gene: ERCC2 (ERCC excision repair 2, TFIIH core complex helicase subunit; minus strand). Cytogenetic location: 19q13.32.
Variant type: single nucleotide variant.
Coding change: c.279C>A on transcript NM_000400.4 (MANE Select); coding-DNA position 279, C replaced by A.
Protein change: p.Phe93Leu; replaces phenylalanine 93 with leucine.
Molecular consequence: missense variant.
Genome position (GRCh38, 1-based): chr19:45,368,711, G>T on the plus strand (C>A on the coding strand, the complement: ERCC2 is on the minus strand). VCF-style: chr19-45368711-G-T. GRCh37 (hg19) VCF-style: chr19-45871969-G-T.
Other names: c.207C>A, p.Phe69Leu (NM_001130867.2); short protein forms F93L, F69L.
Identifiers: ClinVar variation 1796127 (VCV001796127.2), dbSNP rs1328869143, ClinGen allele CA406378633.